The following is an entry in ClinVar:

ClinVar aggregate classification (germline): Uncertain significance (1 of 4 stars; one submission).

Conditions:
Saldino-Mainzer syndrome (SRTD9). Also called: CONORENAL SYNDROME; Renal dysplasia, retinal pigmentary dystrophy, cerebellar ataxia and skeletal dysplasia; SHORT-RIB THORACIC DYSPLASIA 9 WITHOUT POLYDACTYLY; short-rib thoracic dysplasia 9 with or without polydactyly. Identifiers: Orphanet 140969, MedGen C1849437, MONDO:0009964, OMIM 266920.

gnomAD v4.1: 2 of 1,605,160 alleles (0.00012%); highest among the groups gnomAD compares: Non-Finnish European, 0.00017%; no homozygotes.

Submission:

Labcorp Genetics (formerly Invitae), Labcorp
Classification: Uncertain significance for Saldino-Mainzer syndrome. Last evaluated: 2025-04-16. Review status: criteria provided, single submitter. Criteria: Invitae Variant Classification Sherloc (09022015). Collection method: clinical testing. Allele origin: germline.
Comment: This sequence change replaces cysteine, which is neutral and slightly polar, with serine, which is neutral and polar, at codon 663 of the IFT140 protein (p.Cys663Ser). This variant is present in population databases (rs750721192, gnomAD 0.0009%). This variant has not been reported in the literature in individuals affected with IFT140-related conditions. ClinVar contains an entry for this variant (Variation ID: 3702027). Invitae Evidence Modeling of protein sequence and biophysical properties (such as structural, functional, and spatial information, amino acid conservation, physicochemical variation, residue mobility, and thermodynamic stability) has been performed for this missense variant. However, the output from this modeling did not meet the statistical confidence thresholds required to predict the impact of this variant on IFT140 protein function. In summary, the available evidence is currently insufficient to determine the role of this variant in disease. Therefore, it has been classified as a Variant of Uncertain Significance.

NM_014714.4(IFT140):c.1987T>A (p.Cys663Ser)

Gene: IFT140 (intraflagellar transport 140; minus strand). Cytogenetic location: 16p13.3.
Variant type: single nucleotide variant.
Coding change: c.1987T>A on transcript NM_014714.4 (MANE Select); coding-DNA position 1987, T replaced by A.
Protein change: p.Cys663Ser; replaces cysteine 663 with serine.
Molecular consequence: missense variant.
Genome position (GRCh38, 1-based): chr16:1,564,077, A>T on the plus strand (T>A on the coding strand, the complement: IFT140 is on the minus strand). VCF-style: chr16-1564077-A-T. GRCh37 (hg19) VCF-style: chr16-1614078-A-T.
Other names: short protein forms C663S.
Identifiers: ClinVar variation 3702027 (VCV003702027.2).
Genomic context (GRCh38, chr16:1,564,077, plus strand): 5'-CTTGGGGCTGCCCGTTTGCAGACTGAGGCTGGGAGCGCGGCGTCTCCTGCACGGCTTCGC[A>T]TACAAACAGCCGGGGCTCACTCTGGTCCCAGAAGTGGTTCACGGGAACATAATTTTTCAG-3'
Protein context (NP_055529.2, residues 653-673): WDQSEPRLFV[Cys663Ser]EAVQETPRSQ